The following is an entry in ClinVar:

ClinVar aggregate classification (germline): Uncertain significance (1 of 4 stars; one submission).

Conditions:
SOX10-related disorder. Also called: SOX10-related condition.

Submission:

PreventionGenetics, part of Exact Sciences
Classification: Uncertain significance for SOX10-related condition. Last evaluated: 2022-09-28. Review status: criteria provided, single submitter. Criteria: ACMG Guidelines, 2015. Collection method: clinical testing. Allele origin: germline.
Comment: The SOX10 c.431T>C variant is predicted to result in the amino acid substitution p.Leu144Pro. To our knowledge, this variant has not been reported in the literature or in a large population database, indicating this variant is rare. A neighboring variant (p.Leu145Pro) has been reported in multiple individuals with SOX10-related phenotypes and is classified as likely pathogenic at PreventionGenetics (Chaoui et al. 2011. PubMed ID: 21898658; Minami et al. 2019. PubMed ID: 30978479; Suzuki et al. 2015. PubMed ID: 26228106). At this time, the clinical significance of the c.431T>C (p.Leu144Pro) variant is uncertain due to the absence of conclusive functional and genetic evidence.

NM_006941.4(SOX10):c.431T>C (p.Leu144Pro)

Genes: POLR2F (RNA polymerase II, I and III subunit F; plus strand), SOX10 (SRY-box transcription factor 10; minus strand). Cytogenetic location: 22q13.1.
Variant type: single nucleotide variant.
Coding change: c.431T>C on transcript NM_006941.4 (MANE Select); coding-DNA position 431, T replaced by C.
Protein change: p.Leu144Pro; replaces leucine 144 with proline.
Molecular consequence: missense variant. On other transcripts: intron variant (3).
Genome position (GRCh38, 1-based): chr22:37,978,133, A>G on the plus strand (T>C on the coding strand, the complement: SOX10 is on the minus strand). VCF-style: chr22-37978133-A-G. GRCh37 (hg19) VCF-style: chr22-38374140-A-G.
Other names: c.*38+5823A>G (NM_001363825.1); c.294-8021A>G (NM_001301130.2); c.293+10963A>G (NM_001301131.2); short protein forms L144P.
Identifiers: ClinVar variation 2637156 (VCV002637156.1), dbSNP rs2518047050, ClinGen allele CA411498204.